The following is an entry in ClinVar:

NM_007294.4(BRCA1):c.70_71insA (p.Cys24Ter)

Gene: BRCA1 (BRCA1 DNA repair associated; minus strand). Cytogenetic location: 17q21.31.
Variant type: Insertion.
Coding change: c.70_71insA on transcript NM_007294.4 (MANE Select); coding-DNA positions 70 to 71, A inserted.
Protein change: p.Cys24Ter; replaces cysteine 24 with a stop codon.
Molecular consequence: nonsense. On other transcripts: frameshift variant (194), 5 prime UTR variant (1), non-coding transcript variant (1).
Genome position: GRCh38 VCF-style: chr17-43124026-C-CT. GRCh37 (hg19) VCF-style: chr17-41276043-C-CT.
Other names: 189insA; c.-137_-136insA (NM_001407751.1, NM_001407726.1); c.-191_-190insA (NM_001407752.1, NM_001407838.1, NM_001407847.1 and 22 more transcripts); c.-68_-67insA (NM_001407841.1); c.-188_-187insA (NM_001407842.1, NM_001407843.1, NM_001407930.1 and 11 more transcripts); c.-18_-17insA (NM_001407845.1, NM_001407849.1, NM_001407852.1 and 23 more transcripts); c.-217_-216insA (NM_001407846.1, NM_001407920.1, NM_001407697.1); c.-119_-118insA (NM_001407853.1, NM_001407879.1, NM_001407882.1 and 46 more transcripts); and 10 more; short protein forms C24*.
Identifiers: ClinVar variation 125511 (VCV000125511.3), dbSNP rs80357536, ClinGen allele CA003824.
Genomic context (GRCh38, chr17:43,124,026, plus strand): 5'-TAGGAGATAATCATAGGAATCCCAAATTAATACACTCTTGTGCTGACTTACCAGATGGGA[C>CT]ACTCTAAGATTTTCTGCATAGCATTAATGACATTTTGTACTTCTTCAACGCGAAGAGCAG-3'

ClinVar aggregate classification (germline): Pathogenic. Review status: reviewed by expert panel (3 of 4 stars). 2 submissions from 2 submitters: Pathogenic (1). 1 of the submissions does not count toward it. Last evaluated 2016-09-08.

Conditions:
Breast-ovarian cancer, familial, susceptibility to, 1 (BROVCA1). Also called: BRCA1 Hereditary Breast and Ovarian Cancer; OVARIAN CANCER, SUSCEPTIBILITY TO. Identifiers: Orphanet 145, MedGen C2676676, MONDO:0011450, OMIM 604370. Disease mechanism: loss of function.

Submissions (2):

Evidence-based Network for the Interpretation of Germline Mutant Alleles (ENIGMA)
Classification: Pathogenic for Breast-ovarian cancer, familial, susceptibility to, 1. Last evaluated: 2016-09-08. Review status: reviewed by expert panel. Criteria: ENIGMA BRCA1/2 Classification Criteria (2015). Collection method: curation. Allele origin: germline.
Comment: Variant allele predicted to encode a truncated non-functional protein.

Breast Cancer Information Core (BIC) (BRCA1)
Classification: Pathogenic for Breast-ovarian cancer, familial 1. Last evaluated: 1999-06-23. Review status: no assertion criteria provided. Collection method: clinical testing. Allele origin: germline. Affected: yes. Observed: 2 variant alleles. Not counted in ClinVar's aggregate classification.